The following is an entry in ClinVar:

ClinVar aggregate classification (germline): Uncertain significance (1 of 4 stars; one submission).

Conditions:
Hereditary cancer-predisposing syndrome. Also called: Hereditary Cancer Syndrome; Hereditary neoplastic syndrome; Tumor predisposition; Neoplastic Syndromes, Hereditary. Identifiers: Orphanet 140162, MedGen C0027672, MeSH D009386, MONDO:0015356.

Submission:

Ambry Genetics
Classification: Uncertain significance for Hereditary cancer-predisposing syndrome. Last evaluated: 2025-04-04. Review status: criteria provided, single submitter. Criteria: Ambry Variant Classification Scheme 2023. Collection method: clinical testing. Allele origin: germline.
Comment: The p.T826N variant (also known as c.2477C>A), located in coding exon 23 of the RB1 gene, results from a C to A substitution at nucleotide position 2477. The threonine at codon 826 is replaced by asparagine, an amino acid with similar properties. This amino acid position is highly conserved in available vertebrate species. In addition, the in silico prediction for this alteration is inconclusive. Based on the available evidence, the clinical significance of this variant remains unclear.

NM_000321.3(RB1):c.2477C>A (p.Thr826Asn)

Gene: RB1 (RB transcriptional corepressor 1; plus strand). Cytogenetic location: 13q14.2.
Variant type: single nucleotide variant.
Coding change: c.2477C>A on transcript NM_000321.3 (MANE Select); coding-DNA position 2477, C replaced by A.
Protein change: p.Thr826Asn; replaces threonine 826 with asparagine.
Molecular consequence: missense variant.
Genome position (GRCh38, 1-based): chr13:48,465,356, C>A. VCF-style: chr13-48465356-C-A. GRCh37 (hg19) VCF-style: chr13-49039492-C-A.
Other names: c.2477C>A, p.Thr826Asn (NM_001407165.1); short protein forms T826N.
Identifiers: ClinVar variation 1791848 (VCV001791848.3), dbSNP rs2138346232, ClinGen allele CA388168068.